The following is an entry in ClinVar:

NM_018392.5(ZGRF1):c.3596_3597del (p.Ser1199fs)

Gene: ZGRF1 (zinc finger GRF-type containing 1; minus strand). Cytogenetic location: 4q25.
Variant type: Microsatellite.
Coding change: c.3596_3597del on transcript NM_018392.5 (MANE Select); coding-DNA positions 3596 to 3597, 2 bases deleted (CT; older notation c.3596_3597delCT).
Protein change: p.Ser1199fs; shifts the reading frame from serine 1199.
Molecular consequence: frameshift variant.
Genome position (GRCh38, 1-based): chr4:112,587,460-112,587,461, AG deleted on the plus strand (CT on the coding strand, the reverse complement: ZGRF1 is on the minus strand); deleting any 2 consecutive bases within chr4:112,587,460-112,587,463 gives the same sequence; the c. name uses the placement nearest the transcript's 3' end. VCF-style (leftmost placement, unchanged base first): chr4-112587459-CAG-C. GRCh37 (hg19) VCF-style: chr4-113508615-CAG-C.
Other names: c.3596_3597delCT (NM_018392.4); c.3422_3423del, p.Ser1141fs (NM_001350397.2); short protein forms S1141fs, S1199fs.
Identifiers: ClinVar variation 374091 (VCV000374091.4), dbSNP rs1057518892, ClinGen allele CA16043402.

ClinVar aggregate classification (germline): Uncertain significance. Review status: criteria provided, single submitter (1 of 4 stars). 2 submissions from 1 submitter: Uncertain significance (2). Last evaluated 2016-01-01.

Conditions:
Spastic paraplegia. Identifiers: MedGen C0037772, HP:0001258.
Progressive muscle weakness. Identifiers: MedGen C0240421, HP:0003323.
Difficulty walking. Identifiers: MedGen C0311394.
Dysarthria. Identifiers: MedGen C0013362, HP:0001260.
Dysphagia. Identifiers: MedGen C0011168, HP:0002015.
Bowel incontinence. Identifiers: MedGen C0015732, HP:0002607.

Submissions (2):

Centre for Mendelian Genomics, University Medical Centre Ljubljana
Classification: Uncertain significance. Last evaluated: 2016-01-01. Review status: criteria provided, single submitter. Criteria: ACMG Guidelines, 2015. Collection method: clinical testing. Allele origin: unknown. Affected: yes.
Comment: This variant was classified as: Uncertain significance.

Centre for Mendelian Genomics, University Medical Centre Ljubljana
Classification: Uncertain significance for Spastic paraplegia; Gait disturbance; Progressive muscle weakness; Dysphagia; Dysarthria; Bowel incontinence. Last evaluated: 2015-09-21. Review status: criteria provided, single submitter. Criteria: ACMG Guidelines, 2015. Collection method: clinical testing. Allele origin: unknown. Affected: yes.